The following is an entry in ClinVar:

ClinVar aggregate classification (germline): Uncertain significance (1 of 4 stars; one submission).

Conditions:
Inborn genetic diseases. Identifiers: MedGen C0950123, MeSH D030342.

Submission:

Ambry Genetics
Classification: Uncertain significance for Inborn genetic diseases. Last evaluated: 2024-02-17. Review status: criteria provided, single submitter. Criteria: Ambry Variant Classification Scheme 2023. Collection method: clinical testing. Allele origin: germline.
Comment: The c.189+5_189+6delGCinsAA alteration is located in Intron 1 (E) of the MIPEP gene. This alteration consists of a substitution of 2 nucleotides at nucleotide position c.1895. Based on insufficient or conflicting evidence, the clinical significance of this alteration remains unclear.

NM_005932.4(MIPEP):c.189+5_189+6delinsAA

Genes: MIPEP (mitochondrial intermediate peptidase; minus strand), PCOTH (prostate and testis expressed opposite C1QTNF9B and MIPEP; plus strand). Cytogenetic location: 13q12.12.
Variant type: Indel.
Coding change: c.189+5_189+6delinsAA on transcript NM_005932.4 (MANE Select); bases 5 to 6 of the intron after coding-DNA position 189, GC replaced by AA.
Molecular consequence: intron variant.
Genome position (GRCh38, 1-based): chr13:23,889,126-23,889,127, GC replaced by TT on the plus strand (GC replaced by AA on the coding strand, the reverse complement: MIPEP is on the minus strand). VCF-style: chr13-23889126-GC-TT. GRCh37 (hg19) VCF-style: chr13-24463265-GC-TT.
Identifiers: ClinVar variation 3126689 (VCV003126689.1), dbSNP rs2500240216, ClinGen allele CA2825002104.